The following is an entry in ClinVar:

ClinVar aggregate classification (germline): Uncertain significance (1 of 4 stars; one submission).

Conditions:
Hereditary nonpolyposis colorectal neoplasms. Identifiers: MedGen C0009405, MeSH D003123.

Submission:

Labcorp Genetics (formerly Invitae), Labcorp
Classification: Uncertain significance for Hereditary nonpolyposis colorectal neoplasms. Last evaluated: 2024-03-27. Review status: criteria provided, single submitter. Criteria: Invitae Variant Classification Sherloc (09022015). Collection method: clinical testing. Allele origin: germline.
Comment: This sequence change replaces glutamine, which is neutral and polar, with proline, which is neutral and non-polar, at codon 160 of the PMS2 protein (p.Gln160Pro). Information on the frequency of this variant in the gnomAD database is not available, as this variant may be reported differently in the database. This variant has not been reported in the literature in individuals affected with PMS2-related conditions. An algorithm developed to predict the effect of missense changes on protein structure and function (PolyPhen-2) suggests that this variant is likely to be disruptive. In summary, the available evidence is currently insufficient to determine the role of this variant in disease. Therefore, it has been classified as a Variant of Uncertain Significance.

NM_000535.7(PMS2):c.479_480delinsCC (p.Gln160Pro)

Gene: PMS2 (PMS1 homolog 2, mismatch repair system component; minus strand). Cytogenetic location: 7p22.1.
Variant type: Indel.
Coding change: c.479_480delinsCC on transcript NM_000535.7 (MANE Select); coding-DNA positions 479 to 480, AG replaced by CC.
Protein change: p.Gln160Pro; replaces glutamine 160 with proline.
Molecular consequence: missense variant. On other transcripts: non-coding transcript variant (1), intron variant (1), 5 prime UTR variant (2).
Genome position (GRCh38, 1-based): chr7:6,002,510-6,002,511, CT replaced by GG on the plus strand (AG replaced by CC on the coding strand, the reverse complement: PMS2 is on the minus strand). VCF-style: chr7-6002510-CT-GG. GRCh37 (hg19) VCF-style: chr7-6042141-CT-GG.
Other names: c.74_75delinsCC, p.Gln25Pro (NM_001406906.1, NM_001406907.1, NM_001406908.1 and 24 more transcripts); c.479_480delinsCC, p.Gln160Pro (NM_001406912.1, NM_001322006.2, NM_001322014.2 and 8 more transcripts); c.250+1461_250+1462delinsCC (NM_001406885.1); c.161_162delinsCC, p.Gln54Pro (NM_001322007.2, NM_001322008.2, NM_001406876.1 and 4 more transcripts); c.-406_-405delinsCC (NM_001322011.2, NM_001322012.2); c.170_171delinsCC, p.Gln57Pro (NM_001322015.2, NM_001406875.1, NM_001406877.1 and 6 more transcripts); c.665_666delinsCC, p.Gln222Pro (NM_001406866.1); c.503_504delinsCC, p.Gln168Pro (NM_001406868.1); short protein forms Q160P, Q168P, Q222P, Q57P, Q25P, Q54P.
Identifiers: ClinVar variation 3647906 (VCV003647906.2).